The following is an entry in ClinVar:

ClinVar aggregate classification (germline): Uncertain significance (1 of 4 stars; one submission).

Conditions:
Hereditary diffuse gastric adenocarcinoma (HDGC). Also called: DIFFUSE GASTRIC AND LOBULAR BREAST CANCER SYNDROME. Identifiers: Orphanet 26106, MedGen C1708349, MONDO:0007648, OMIM 137215.

Submission:

Labcorp Genetics (formerly Invitae), Labcorp
Classification: Uncertain significance for Hereditary diffuse gastric adenocarcinoma. Last evaluated: 2021-05-17. Review status: criteria provided, single submitter. Criteria: Invitae Variant Classification Sherloc (09022015). Collection method: clinical testing. Allele origin: germline.
Comment: In summary, the available evidence is currently insufficient to determine the role of this variant in disease. Therefore, it has been classified as a Variant of Uncertain Significance. Algorithms developed to predict the effect of sequence changes on RNA splicing suggest that this variant may create or strengthen a splice site, but this prediction has not been confirmed by published transcriptional studies. Algorithms developed to predict the effect of missense changes on protein structure and function are either unavailable or do not agree on the potential impact of this missense change (SIFT: "Tolerated"; PolyPhen-2: "Possibly Damaging"; Align-GVGD: "Class C0"). This variant has not been reported in the literature in individuals with CDH1-related conditions. This variant is not present in population databases (ExAC no frequency). This sequence change replaces arginine with lysine at codon 733 of the CDH1 protein (p.Arg733Lys). The arginine residue is highly conserved and there is a small physicochemical difference between arginine and lysine.

NM_004360.5(CDH1):c.2198G>A (p.Arg733Lys)

Gene: CDH1 (cadherin 1; plus strand). Cytogenetic location: 16q22.1.
Variant type: single nucleotide variant.
Coding change: c.2198G>A on transcript NM_004360.5 (MANE Select); coding-DNA position 2198, G replaced by A.
Protein change: p.Arg733Lys; replaces arginine 733 with lysine.
Molecular consequence: missense variant.
Genome position (GRCh38, 1-based): chr16:68,828,207, G>A. VCF-style: chr16-68828207-G-A. GRCh37 (hg19) VCF-style: chr16-68862110-G-A.
Other names: c.2015G>A, p.Arg672Lys (NM_001317184.2); c.650G>A, p.Arg217Lys (NM_001317185.2); c.233G>A, p.Arg78Lys (NM_001317186.2); short protein forms R217K, R672K, R733K, R78K.
Identifiers: ClinVar variation 1439126 (VCV001439126.8), dbSNP rs2152141417, ClinGen allele CA396469489.
Genomic context (GRCh38, chr16:68,828,207, plus strand): 5'-CTTGCTCTGTCTCCCCCACCATCCCAGTTCTGATTCTGCTGCTCTTGCTGTTTCTTCGGA[G>A]GAGAGCGGTGGTCAAAGAGCCCTTACTGCCCCCAGAGGATGACACCCGGGACAACGTTTA-3'
Protein context (NP_004351.1, residues 723-743): LILLLLLFLR[Arg733Lys]RAVVKEPLLP